The following is an entry in ClinVar:

NM_033641.4(COL4A6):c.4168C>A (p.Pro1390Thr)

Gene: COL4A6 (collagen type IV alpha 6 chain; minus strand). Cytogenetic location: Xq22.3.
Variant type: single nucleotide variant.
Coding change: c.4168C>A on transcript NM_033641.4 (MANE Select); coding-DNA position 4168, C replaced by A.
Protein change: p.Pro1390Thr; replaces proline 1390 with threonine.
Molecular consequence: missense variant.
Genome position (GRCh38, 1-based): chrX:108,162,940, G>T on the plus strand (C>A on the coding strand, the complement: COL4A6 is on the minus strand). VCF-style: chrX-108162940-G-T. GRCh37 (hg19) VCF-style: chrX-107406170-G-T.
Other names: c.4219C>A, p.Pro1407Thr (NM_001287758.2); c.4096C>A, p.Pro1366Thr (NM_001287759.2); c.3997C>A, p.Pro1333Thr (NM_001287760.2); c.4171C>A, p.Pro1391Thr (NM_001847.4); short protein forms P1366T, P1391T, P1333T, P1390T, P1407T.
Identifiers: ClinVar variation 2150006 (VCV002150006.4), dbSNP rs2034007849, ClinGen allele CA413852325.

ClinVar aggregate classification (germline): Uncertain significance (1 of 4 stars; one submission).

Allele frequency attached by ClinVar (database versions not stated): gnomAD exomes below 0.00001; TOPMed below 0.00001.
gnomAD v4.1: 2 of 1,203,018 alleles (0.00017%); highest among the groups gnomAD compares: Admixed American, 0.0045%; no homozygotes.

Submission:

Labcorp Genetics (formerly Invitae), Labcorp
Classification: Uncertain significance. Last evaluated: 2025-07-28. Review status: criteria provided, single submitter. Criteria: Invitae Variant Classification Sherloc (09022015). Collection method: clinical testing. Allele origin: germline.
Comment: This sequence change replaces proline, which is neutral and non-polar, with threonine, which is neutral and polar, at codon 1391 of the COL4A6 protein (p.Pro1391Thr). This variant is not present in population databases (gnomAD no frequency). This variant has not been reported in the literature in individuals affected with COL4A6-related conditions. ClinVar contains an entry for this variant (Variation ID: 2150006). Invitae Evidence Modeling of protein sequence and biophysical properties (such as structural, functional, and spatial information, amino acid conservation, physicochemical variation, residue mobility, and thermodynamic stability) indicates that this missense variant is not expected to disrupt COL4A6 protein function with a negative predictive value of 80%. In summary, the available evidence is currently insufficient to determine the role of this variant in disease. Therefore, it has been classified as a Variant of Uncertain Significance.